The following is an entry in ClinVar:

NM_005982.4(SIX1):c.775G>T (p.Gly259Cys)

Gene: SIX1 (SIX homeobox 1; minus strand). Cytogenetic location: 14q23.1.
Variant type: single nucleotide variant.
Coding change: c.775G>T on transcript NM_005982.4 (MANE Select); coding-DNA position 775, G replaced by T.
Protein change: p.Gly259Cys; replaces glycine 259 with cysteine.
Molecular consequence: missense variant.
Genome position (GRCh38, 1-based): chr14:60,646,363, C>A on the plus strand (G>T on the coding strand, the complement: SIX1 is on the minus strand). VCF-style: chr14-60646363-C-A. GRCh37 (hg19) VCF-style: chr14-61113081-C-A.
Other names: short protein forms G259C.
Identifiers: ClinVar variation 2156587 (VCV002156587.4), dbSNP rs779084301, ClinGen allele CA7212711.

ClinVar aggregate classification (germline): Uncertain significance (1 of 4 stars; one submission).

Conditions:
Branchiootic syndrome 3 (BOS3). Also called: BO SYNDROME 3. Identifiers: MedGen C1842124, MONDO:0012025, OMIM 608389.
Autosomal dominant nonsyndromic hearing loss 23. Identifiers: Orphanet 90635, MedGen C1854594, MONDO:0011519, OMIM 605192.

gnomAD v4.1: 2 of 1,613,920 alleles (0.00012%); highest among the groups gnomAD compares: Admixed American, 0.0033%; no homozygotes.

Submission:

Labcorp Genetics (formerly Invitae), Labcorp
Classification: Uncertain significance for Autosomal dominant nonsyndromic hearing loss 23; Branchiootic syndrome 3. Last evaluated: 2022-06-14. Review status: criteria provided, single submitter. Criteria: Invitae Variant Classification Sherloc (09022015). Collection method: clinical testing. Allele origin: germline.
Comment: In summary, the available evidence is currently insufficient to determine the role of this variant in disease. Therefore, it has been classified as a Variant of Uncertain Significance. This sequence change replaces glycine, which is neutral and non-polar, with cysteine, which is neutral and slightly polar, at codon 259 of the SIX1 protein (p.Gly259Cys). This variant is present in population databases (rs779084301, gnomAD 0.006%). This variant has not been reported in the literature in individuals affected with SIX1-related conditions. Algorithms developed to predict the effect of missense changes on protein structure and function are either unavailable or do not agree on the potential impact of this missense change (SIFT: "Deleterious"; PolyPhen-2: "Benign"; Align-GVGD: "Class C0").